The following is an entry in ClinVar:

NM_000528.4(MAN2B1):c.1830+3G>T

Gene: MAN2B1 (mannosidase alpha class 2B member 1; minus strand). Cytogenetic location: 19p13.13.
Variant type: single nucleotide variant.
Coding change: c.1830+3G>T on transcript NM_000528.4 (MANE Select); 3 bases into the intron after coding-DNA position 1830, G replaced by T.
Molecular consequence: intron variant.
Genome position (GRCh38, 1-based): chr19:12,655,691, C>A on the plus strand (G>T on the coding strand, the complement: MAN2B1 is on the minus strand). VCF-style: chr19-12655691-C-A. GRCh37 (hg19) VCF-style: chr19-12766505-C-A.
Other names: c.1827+3G>T (NM_001173498.2); c.1830+3G>T (NM_000528.3).
Identifiers: ClinVar variation 2083620 (VCV002083620.3), dbSNP rs376163192, ClinGen allele CA9226316.
Genomic context (GRCh38, chr19:12,655,691, plus strand): 5'-AGCTCACCATGACACTTCAAATTTGTCACAGGAGCAGGAAAGGGGATTGAAATGGGGTCT[C>A]ACCTCATTTTCGATGGTTAAAGCAGGGGACCAGGATCTTCTGGGGATGGGCTGTGGTGCG-3'

ClinVar aggregate classification (germline): Uncertain significance. Review status: criteria provided, single submitter (1 of 4 stars). 2 submissions from 2 submitters: Uncertain significance (1). 1 of the submissions does not count toward it. Last evaluated 2022-08-22.

Conditions:
Deficiency of alpha-mannosidase (MANSA). Also called: Mannosidosis, alpha-, types I and II; Alpha-Mannosidosis; LYSOSOMAL ALPHA-D-MANNOSIDASE DEFICIENCY. Identifiers: Orphanet 61, MedGen C0024748, MONDO:0009561, OMIM 248500.
MAN2B1-related disorder. Also called: MAN2B1-related condition.

Allele frequency attached by ClinVar (database versions not stated): gnomAD 0.00001; ESP Exome Variant Server 0.00008.
gnomAD v4.1: 27 of 1,608,618 alleles (0.0017%); highest among the groups gnomAD compares: Middle Eastern, 0.099%; no homozygotes.

Submissions (2):

Labcorp Genetics (formerly Invitae), Labcorp
Classification: Uncertain significance for Deficiency of alpha-mannosidase. Last evaluated: 2022-08-22. Review status: criteria provided, single submitter. Criteria: Invitae Variant Classification Sherloc (09022015). Collection method: clinical testing. Allele origin: germline.
Comment: This sequence change falls in intron 14 of the MAN2B1 gene. It does not directly change the encoded amino acid sequence of the MAN2B1 protein. It affects a nucleotide within the consensus splice site. This variant is present in population databases (rs376163192, gnomAD 0.003%). This variant has not been reported in the literature in individuals affected with MAN2B1-related conditions. Variants that disrupt the consensus splice site are a relatively common cause of aberrant splicing (PMID: 17576681, 9536098). Algorithms developed to predict the effect of sequence changes on RNA splicing suggest that this variant may disrupt the consensus splice site. In summary, the available evidence is currently insufficient to determine the role of this variant in disease. Therefore, it has been classified as a Variant of Uncertain Significance.

PreventionGenetics, part of Exact Sciences
Classification: Likely benign for MAN2B1-related condition. Last evaluated: 2020-10-02. Review status: no assertion criteria provided. Collection method: clinical testing. Allele origin: germline. Not counted in ClinVar's aggregate classification.
Comment: This variant is classified as likely benign based on ACMG/AMP sequence variant interpretation guidelines (Richards et al. 2015 PMID: 25741868, with internal and published modifications).

Literature cited by the submitters: PubMed 17576681 (cited by Labcorp Genetics (formerly Invitae), Labcorp); PubMed 9536098 (cited by Labcorp Genetics (formerly Invitae), Labcorp).